The following is an entry in ClinVar:

ClinVar aggregate classification (germline): Uncertain significance. Review status: criteria provided, multiple submitters, no conflicts (2 of 4 stars). 4 submissions from 4 submitters: Uncertain significance (3). 1 of the submissions does not count toward it. Last evaluated 2025-01-20.

Conditions:
ZNF407-related disorder. Also called: ZNF407-related condition.

Allele frequency attached by ClinVar (database versions not stated): gnomAD 0.00005 and 0.00007; gnomAD exomes 0.00006 and 0.00016; ExAC 0.00007; TOPMed 0.00007; ESP Exome Variant Server 0.00008.
gnomAD v4.1: 236 of 1,613,888 alleles (0.015%); highest among the groups gnomAD compares: Non-Finnish European, 0.019%; no homozygotes.

Submissions (4):

Ambry Genetics
Classification: Uncertain significance. Last evaluated: 2025-01-20. Review status: criteria provided, single submitter. Criteria: Ambry Variant Classification Scheme 2023. Collection method: clinical testing. Allele origin: germline.

GeneDx
Classification: Uncertain significance. Last evaluated: 2022-08-03. Review status: criteria provided, single submitter. Criteria: GeneDx Variant Classification Process June 2021. Collection method: clinical testing. Allele origin: germline. Affected: yes.
Comment: In silico analysis supports that this missense variant does not alter protein structure/function; Has not been previously published as pathogenic or benign to our knowledge

Genetic Services Laboratory, University of Chicago
Classification: Uncertain significance. Last evaluated: 2018-03-06. Review status: criteria provided, single submitter. Criteria: ACMG Guidelines, 2015. Collection method: clinical testing. Allele origin: germline. Affected: no.

PreventionGenetics, part of Exact Sciences
Classification: Uncertain significance for ZNF407-related condition. Last evaluated: 2024-06-26. Review status: no assertion criteria provided. Collection method: clinical testing. Allele origin: germline. Not counted in ClinVar's aggregate classification.
Comment: The ZNF407 c.2552C>T variant is predicted to result in the amino acid substitution p.Thr851Met. To our knowledge, this variant has not been reported in the literature. This variant is reported in 0.012% of alleles in individuals of European (Non-Finnish) descent in gnomAD. At this time, the clinical significance of this variant is uncertain due to the absence of conclusive functional and genetic evidence.

NM_017757.3(ZNF407):c.2552C>T (p.Thr851Met)

Genes: ZNF407 (zinc finger protein 407; plus strand), LOC126862798 (MED14-independent group 3 enhancer GRCh37_chr18:72345358-72346557; plus strand). Cytogenetic location: 18q22.3.
Variant type: single nucleotide variant.
Coding change: c.2552C>T on transcript NM_017757.3 (MANE Select); coding-DNA position 2552, C replaced by T.
Protein change: p.Thr851Met; replaces threonine 851 with methionine.
Molecular consequence: missense variant.
Genome position (GRCh38, 1-based): chr18:74,633,571, C>T. VCF-style: chr18-74633571-C-T. GRCh37 (hg19) VCF-style: chr18-72345527-C-T.
Other names: c.2552C>T, p.Thr851Met (NM_001146189.1, NM_001146190.1, NM_001384475.1); short protein forms T851M.
Identifiers: ClinVar variation 1336071 (VCV001336071.10), dbSNP rs377128271, ClinGen allele CA9000545.